The following is an entry in ClinVar:

NM_005609.4(PYGM):c.424+6A>G

Gene: PYGM (glycogen phosphorylase, muscle associated; minus strand). Cytogenetic location: 11q13.1.
Variant type: single nucleotide variant.
Coding change: c.424+6A>G on transcript NM_005609.4 (MANE Select); 6 bases into the intron after coding-DNA position 424, A replaced by G.
Molecular consequence: intron variant.
Genome position (GRCh38, 1-based): chr11:64,758,431, T>C on the plus strand (A>G on the coding strand, the complement: PYGM is on the minus strand). VCF-style: chr11-64758431-T-C. GRCh37 (hg19) VCF-style: chr11-64525903-T-C.
Other names: c.244-165A>G (NM_001164716.1).
Identifiers: ClinVar variation 682450 (VCV000682450.1), dbSNP rs764920938, ClinGen allele CA6080261.

ClinVar aggregate classification (germline): Likely benign (1 of 4 stars; one submission).

Allele frequency attached by ClinVar (database versions not stated): ExAC 0.00001; gnomAD exomes 0.00001 and 0.00002; TOPMed 0.00001.

Submission:

GeneDx
Classification: Likely benign. Last evaluated: 2018-04-26. Review status: criteria provided, single submitter. Criteria: GeneDx Variant Classification (06012015). Collection method: clinical testing. Allele origin: germline. Affected: yes.
Comment: This variant is considered likely benign or benign based on one or more of the following criteria: it is a conservative change, it occurs at a poorly conserved position in the protein, it is predicted to be benign by multiple in silico algorithms, and/or has population frequency not consistent with disease.